The following is an entry in ClinVar:

ClinVar aggregate classification (germline): Uncertain significance (1 of 4 stars; one submission).

Conditions:
CHEK1-related disorder. Also called: CHEK1-related condition.

Allele frequency attached by ClinVar (database versions not stated): gnomAD 0.00001; gnomAD exomes 0.00001; ExAC 0.00002; TOPMed 0.00003.
gnomAD v4.1: 13 of 1,613,524 alleles (0.00081%); highest among the groups gnomAD compares: Admixed American, 0.01%; no homozygotes.

Submission:

PreventionGenetics, part of Exact Sciences
Classification: Uncertain significance for CHEK1-related condition. Last evaluated: 2023-05-25. Review status: criteria provided, single submitter. Criteria: ACMG Guidelines, 2015. Collection method: clinical testing. Allele origin: germline.
Comment: The CHEK1 c.1162C>T variant is predicted to result in the amino acid substitution p.Arg388Trp. To our knowledge, this variant has not been reported in the literature. This variant is reported in 0.020% of alleles in individuals of Latino descent in gnomAD. At this time, the clinical significance of this variant is uncertain due to the absence of conclusive functional and genetic evidence.

NM_001114122.3(CHEK1):c.1114C>T (p.Arg372Trp)

Gene: CHEK1 (checkpoint kinase 1; plus strand). Cytogenetic location: 11q24.2.
Variant type: single nucleotide variant.
Coding change: c.1114C>T on transcript NM_001114122.3 (MANE Select); coding-DNA position 1114, C replaced by T.
Protein change: p.Arg372Trp; replaces arginine 372 with tryptophan.
Molecular consequence: missense variant. On other transcripts: non-coding transcript variant (2).
Genome position (GRCh38, 1-based): chr11:125,644,524, C>T. VCF-style: chr11-125644524-C-T. GRCh37 (hg19) VCF-style: chr11-125514419-C-T.
Other names: c.1114C>T, p.Arg372Trp (NM_001114121.2, NM_001244846.1, NM_001274.5); c.811C>T, p.Arg271Trp (NM_001330427.2); c.832C>T, p.Arg278Trp (NM_001330428.1); short protein forms R271W, R278W, R372W.
Identifiers: ClinVar variation 2628966 (VCV002628966.1), dbSNP rs767367809, ClinGen allele CA6349609.
Genomic context (GRCh38, chr11:125,644,524, plus strand): 5'-TCTTTAGTCCTAATGGATTTATTCATTTGTCTTCTGTTTGACATGTAGAACCCCTGGCAG[C>T]GGTTGGTCAAAAGAATGACACGATTCTTTACCAAATTGGATGCAGACAAATCTTATCAAT-3'
Protein context (NP_001107594.1, residues 362-382): TPGSSQNPWQ[Arg372Trp]LVKRMTRFFT